The following is an entry in ClinVar:

NM_004407.4(DMP1):c.817A>T (p.Ile273Phe)

Genes: DMP1 (dentin matrix acidic phosphoprotein 1; plus strand), DMP1-AS1 (DMP1 and DSPP antisense RNA 1; minus strand). Cytogenetic location: 4q22.1.
Variant type: single nucleotide variant.
Coding change: c.817A>T on transcript NM_004407.4 (MANE Select); coding-DNA position 817, A replaced by T.
Protein change: p.Ile273Phe; replaces isoleucine 273 with phenylalanine.
Molecular consequence: missense variant.
Genome position (GRCh38, 1-based): chr4:87,662,595, A>T. VCF-style: chr4-87662595-A-T. GRCh37 (hg19) VCF-style: chr4-88583747-A-T.
Other names: c.769A>T, p.Ile257Phe (NM_001079911.3); short protein forms I273F, I257F.
Identifiers: ClinVar variation 3697408 (VCV003697408.2).
Genomic context (GRCh38, chr4:87,662,595, plus strand): 5'-GATTCAGGTGGCAGCCAATTGCTGGAGCATCCCAGTAGGAAAATTTTTAGGAAGTCTCGC[A>T]TCTCAGAGGAAGATGACAGAAGCGAGCTTGATGACAACAACACAATGGAAGAAGTCAAGA-3'
Protein context (NP_004398.1, residues 263-283): PSRKIFRKSR[Ile273Phe]SEEDDRSELD

ClinVar aggregate classification (germline): Uncertain significance (1 of 4 stars; one submission).

Submission:

Labcorp Genetics (formerly Invitae), Labcorp
Classification: Uncertain significance. Last evaluated: 2024-12-21. Review status: criteria provided, single submitter. Criteria: Invitae Variant Classification Sherloc (09022015). Collection method: clinical testing. Allele origin: germline.
Comment: This sequence change replaces isoleucine, which is neutral and non-polar, with phenylalanine, which is neutral and non-polar, at codon 273 of the DMP1 protein (p.Ile273Phe). This variant is not present in population databases (gnomAD no frequency). This variant has not been reported in the literature in individuals affected with DMP1-related conditions. Invitae Evidence Modeling of protein sequence and biophysical properties (such as structural, functional, and spatial information, amino acid conservation, physicochemical variation, residue mobility, and thermodynamic stability) has been performed for this missense variant. However, the output from this modeling did not meet the statistical confidence thresholds required to predict the impact of this variant on DMP1 protein function. In summary, the available evidence is currently insufficient to determine the role of this variant in disease. Therefore, it has been classified as a Variant of Uncertain Significance.